The following is an entry in ClinVar:

NM_012281.3(KCND2):c.1654A>G (p.Ser552Gly)

Gene: KCND2 (potassium voltage-gated channel subfamily D member 2; plus strand). Cytogenetic location: 7q31.31.
Variant type: single nucleotide variant.
Coding change: c.1654A>G on transcript NM_012281.3 (MANE Select); coding-DNA position 1654, A replaced by G.
Protein change: p.Ser552Gly; replaces serine 552 with glycine.
Molecular consequence: missense variant.
Genome position (GRCh38, 1-based): chr7:120,745,966, A>G. VCF-style: chr7-120745966-A-G. GRCh37 (hg19) VCF-style: chr7-120386020-A-G.
Other names: short protein forms S552G.
Identifiers: ClinVar variation 3648214 (VCV003648214.2).

ClinVar aggregate classification (germline): Uncertain significance (1 of 4 stars; one submission).

Conditions:
Early Myoclonic Encephalopathy. Identifiers: MedGen C0270855.

Submission:

Labcorp Genetics (formerly Invitae), Labcorp
Classification: Uncertain significance for Early Myoclonic Encephalopathy. Last evaluated: 2024-12-22. Review status: criteria provided, single submitter. Criteria: Invitae Variant Classification Sherloc (09022015). Collection method: clinical testing. Allele origin: germline.
Comment: This sequence change replaces serine, which is neutral and polar, with glycine, which is neutral and non-polar, at codon 552 of the KCND2 protein (p.Ser552Gly). This variant is not present in population databases (gnomAD no frequency). This variant has not been reported in the literature in individuals affected with KCND2-related conditions. Invitae Evidence Modeling of protein sequence and biophysical properties (such as structural, functional, and spatial information, amino acid conservation, physicochemical variation, residue mobility, and thermodynamic stability) has been performed for this missense variant. However, the output from this modeling did not meet the statistical confidence thresholds required to predict the impact of this variant on KCND2 protein function. In summary, the available evidence is currently insufficient to determine the role of this variant in disease. Therefore, it has been classified as a Variant of Uncertain Significance.